The following is an entry in ClinVar:

NM_020989.4(CRYGC):c.212G>T (p.Gly71Val)

Genes: CRYGC (crystallin gamma C; minus strand), LOC100507443 (uncharacterized LOC100507443; plus strand). Cytogenetic location: 2q33.3.
Variant type: single nucleotide variant.
Coding change: c.212G>T on transcript NM_020989.4 (MANE Select); coding-DNA position 212, G replaced by T.
Protein change: p.Gly71Val; replaces glycine 71 with valine.
Molecular consequence: missense variant.
Genome position (GRCh38, 1-based): chr2:208,129,481, C>A on the plus strand (G>T on the coding strand, the complement: CRYGC is on the minus strand). VCF-style: chr2-208129481-C-A. GRCh37 (hg19) VCF-style: chr2-208994205-C-A.
Other names: short protein forms G71V.
Identifiers: ClinVar variation 653007 (VCV000653007.11), dbSNP rs1574551119, ClinGen allele CA350096263.

ClinVar aggregate classification (germline): Uncertain significance (1 of 4 stars; one submission).

Conditions:
Nuclear pulverulent cataract (CTRCT2). Identifiers: MedGen C1852438, HP:0010698.

Submission:

Labcorp Genetics (formerly Invitae), Labcorp
Classification: Uncertain significance for Nuclear pulverulent cataract. Last evaluated: 2022-02-05. Review status: criteria provided, single submitter. Criteria: Invitae Variant Classification Sherloc (09022015). Collection method: clinical testing. Allele origin: germline.
Comment: ClinVar contains an entry for this variant (Variation ID: 653007). In summary, the available evidence is currently insufficient to determine the role of this variant in disease. Therefore, it has been classified as a Variant of Uncertain Significance. Algorithms developed to predict the effect of missense changes on protein structure and function (SIFT, PolyPhen-2, Align-GVGD) all suggest that this variant is likely to be disruptive. This variant has not been reported in the literature in individuals affected with CRYGC-related conditions. This variant is not present in population databases (gnomAD no frequency). This sequence change replaces glycine, which is neutral and non-polar, with valine, which is neutral and non-polar, at codon 71 of the CRYGC protein (p.Gly71Val).